The following is an entry in ClinVar:

NM_024598.4(USB1):c.446A>G (p.His149Arg)

Gene: USB1 (U6 snRNA biogenesis phosphodiesterase 1; plus strand). Cytogenetic location: 16q21.
Variant type: single nucleotide variant.
Coding change: c.446A>G on transcript NM_024598.4 (MANE Select); coding-DNA position 446, A replaced by G.
Protein change: p.His149Arg; replaces histidine 149 with arginine.
Molecular consequence: missense variant.
Genome position (GRCh38, 1-based): chr16:58,010,109, A>G. VCF-style: chr16-58010109-A-G. GRCh37 (hg19) VCF-style: chr16-58044013-A-G.
Other names: c.446A>G, p.His149Arg (NM_001195302.2, NM_001204911.2, NM_001330569.2); c.293A>G, p.His98Arg (NM_001330568.2); short protein forms H149R, H98R.
Identifiers: ClinVar variation 3466478 (VCV003466478.1).

ClinVar aggregate classification (germline): Uncertain significance (1 of 4 stars; one submission).

Conditions:
Inborn genetic diseases. Identifiers: MedGen C0950123, MeSH D030342.

gnomAD v4.1: 1 of 1,613,662 alleles (0.000062%); highest among the groups gnomAD compares: Non-Finnish European, 0.000085%; no homozygotes.

Submission:

Ambry Genetics
Classification: Uncertain significance for Inborn genetic diseases. Last evaluated: 2024-11-26. Review status: criteria provided, single submitter. Criteria: Ambry Variant Classification Scheme 2023. Collection method: clinical testing. Allele origin: germline.
Comment: The p.H149R variant (also known as c.446A>G), located in coding exon 3 of the USB1 gene, results from an A to G substitution at nucleotide position 446. The histidine at codon 149 is replaced by arginine, an amino acid with highly similar properties. This amino acid position is conserved. In addition, this alteration is predicted to be tolerated by in silico analysis. Based on the available evidence, the clinical significance of this variant remains unclear.